The following is an entry in ClinVar:

NM_031935.3(HMCN1):c.929G>T (p.Arg310Leu)

Gene: HMCN1 (hemicentin 1; plus strand). Cytogenetic location: 1q31.1.
Variant type: single nucleotide variant.
Coding change: c.929G>T on transcript NM_031935.3 (MANE Select); coding-DNA position 929, G replaced by T.
Protein change: p.Arg310Leu; replaces arginine 310 with leucine.
Molecular consequence: missense variant.
Genome position (GRCh38, 1-based): chr1:185,922,407, G>T. VCF-style: chr1-185922407-G-T. GRCh37 (hg19) VCF-style: chr1-185891539-G-T.
Other names: short protein forms R310L.
Identifiers: ClinVar variation 2779097 (VCV002779097.3), dbSNP rs770383703, ClinGen allele CA1290988.

ClinVar aggregate classification (germline): Uncertain significance (1 of 4 stars; one submission).

Allele frequency attached by ClinVar (database versions not stated): ExAC 0.00001.
gnomAD v4.1: 5 of 1,613,374 alleles (0.00031%); highest among the groups gnomAD compares: Non-Finnish European, 0.00042%; no homozygotes.

Submission:

Labcorp Genetics (formerly Invitae), Labcorp
Classification: Uncertain significance. Last evaluated: 2025-05-29. Review status: criteria provided, single submitter. Criteria: Invitae Variant Classification Sherloc (09022015). Collection method: clinical testing. Allele origin: germline.
Comment: This sequence change replaces arginine, which is basic and polar, with leucine, which is neutral and non-polar, at codon 310 of the HMCN1 protein (p.Arg310Leu). This variant is present in population databases (rs770383703, gnomAD 0.0009%). This variant has not been reported in the literature in individuals affected with HMCN1-related conditions. ClinVar contains an entry for this variant (Variation ID: 2779097). An algorithm developed to predict the effect of missense changes on protein structure and function (PolyPhen-2) suggests that this variant is likely to be disruptive. In summary, the available evidence is currently insufficient to determine the role of this variant in disease. Therefore, it has been classified as a Variant of Uncertain Significance.